The following is an entry in ClinVar:

NM_017514.5(PLXNA3):c.5555G>A (p.Arg1852Gln)

Gene: PLXNA3 (plexin A3; plus strand). Cytogenetic location: Xq28.
Variant type: single nucleotide variant.
Coding change: c.5555G>A on transcript NM_017514.5 (MANE Select); coding-DNA position 5555, G replaced by A.
Protein change: p.Arg1852Gln; replaces arginine 1852 with glutamine.
Molecular consequence: missense variant.
Genome position (GRCh38, 1-based): chrX:154,472,624, G>A. VCF-style: chrX-154472624-G-A. GRCh37 (hg19) VCF-style: chrX-153700967-G-A.
Other names: short protein forms R1852Q.
Identifiers: ClinVar variation 3355383 (VCV003355383.1).
Genomic context (GRCh38, chrX:154,472,624, plus strand): 5'-AGCTCCAGGGGACTCCTCTCCCCCAGATTCTCACGGCTCTGGACCGAGATGCCTCTTGTC[G>A]GAAGCATAAGTTGCGGCAGAAACTGGAACAGATCATCAGCCTCGTGTCCAGCGACAGCTA-3'
Protein context (NP_059984.3, residues 1842-1862): LTALDRDASC[Arg1852Gln]KHKLRQKLEQ

ClinVar aggregate classification (germline): Uncertain significance (0 of 4 stars; one submission).

Conditions:
PLXNA3-related disorder. Also called: PLXNA3-related condition.

gnomAD v4.1: 22 of 1,208,958 alleles (0.0018%); highest among the groups gnomAD compares: South Asian, 0.0035%; no homozygotes.

Submission:

PreventionGenetics, part of Exact Sciences
Classification: Uncertain significance for PLXNA3-related condition. Last evaluated: 2024-07-16. Review status: no assertion criteria provided. Collection method: clinical testing. Allele origin: germline.
Comment: The PLXNA3 c.5555G>A variant is predicted to result in the amino acid substitution p.Arg1852Gln. To our knowledge, this variant has not been reported in the literature. This variant is reported in 0.0012% of alleles in individuals of European (Non-Finnish) descent in gnomAD. At this time, the clinical significance of this variant is uncertain due to the absence of conclusive functional and genetic evidence.